The following is an entry in ClinVar:

ClinVar aggregate classification (germline): Conflicting classifications of pathogenicity. Review status: criteria provided, conflicting classifications (1 of 4 stars). 3 submissions from 3 submitters: Uncertain significance (1); Likely benign (2). Last evaluated 2026-03-17.

Conditions:
Paroxysmal nonkinesigenic dyskinesia. Also called: Paroxysmal non-kinesigenic dyskinesia. Identifiers: Orphanet 98810, MedGen C1869117, MONDO:0700088.

Allele frequency attached by ClinVar (database versions not stated): ExAC 0.00006; gnomAD 0.00006 and 0.00005; ESP Exome Variant Server 0.00008; gnomAD exomes 0.00003 and 0.00004; TOPMed 0.00004.
gnomAD v4.1: 58 of 1,588,784 alleles (0.0037%); highest among the groups gnomAD compares: Middle Eastern, 0.033%; no homozygotes.

Submissions (3):

Women's Health and Genetics/Laboratory Corporation of America, LabCorp
Classification: Likely benign. Last evaluated: 2026-03-17. Review status: criteria provided, single submitter. Criteria: LabCorp Variant Classification Summary - May 2015. Collection method: clinical testing. Allele origin: germline.
Comment: Variant summary: PNKD c.984G>A (p.Thr328Thr) alters a conserved nucleotide located close to a canonical splice site and therefore could affect mRNA splicing, leading to a significantly altered protein sequence. Several computational tools predict a significant impact on normal splicing: two predict the variant abolishes the 5' splicing donor site, while two predict the variant weakens the 5' donor site. However, these predictions have yet to be confirmed by functional studies. The variant allele was found at a frequency of 3.5e-05 in 1581854 control chromosomes (gnomAD). The observed variant frequency exceeds the estimated maximal expected allele frequency for disease-causing variants in PNKD. To our knowledge, no occurrence of c.984G>A in individuals affected with PNKD-related conditions and no experimental evidence demonstrating its impact on protein function have been reported. ClinVar contains an entry for this variant (Variation ID: 834117). Based on the evidence outlined above, the variant was classified as likely benign.

Labcorp Genetics (formerly Invitae), Labcorp
Classification: Uncertain significance for Paroxysmal nonkinesigenic dyskinesia. Last evaluated: 2025-10-02. Review status: criteria provided, single submitter. Criteria: Invitae Variant Classification Sherloc (09022015). Collection method: clinical testing. Allele origin: germline.
Comment: This sequence change affects codon 328 of the PNKD mRNA. It is a 'silent' change, meaning that it does not change the encoded amino acid sequence of the PNKD protein. This variant also falls at the last nucleotide of exon 9, which is part of the consensus splice site for this exon. This variant is present in population databases (rs371356115, gnomAD 0.03%). This variant has not been reported in the literature in individuals affected with PNKD-related conditions. ClinVar contains an entry for this variant (Variation ID: 834117). Variants that disrupt the consensus splice site are a relatively common cause of aberrant splicing (PMID: 17576681, 9536098). Algorithms developed to predict the effect of sequence changes on RNA splicing suggest that this variant may disrupt the consensus splice site. In summary, the available evidence is currently insufficient to determine the role of this variant in disease. Therefore, it has been classified as a Variant of Uncertain Significance.

Blueprint Genetics
Classification: Likely benign. Last evaluated: 2023-05-03. Review status: criteria provided, single submitter. Criteria: ACMG Guidelines, 2015. Collection method: clinical testing. Allele origin: germline.

Literature cited by the submitters: PubMed 17576681 (cited by Labcorp Genetics (formerly Invitae), Labcorp); PubMed 9536098 (cited by Labcorp Genetics (formerly Invitae), Labcorp).

NM_015488.5(PNKD):c.984G>A (p.Thr328=)

Genes: CATIP-AS2 (CATIP antisense RNA 2; minus strand), PNKD (PNKD metallo-beta-lactamase domain containing; plus strand). Cytogenetic location: 2q35.
Variant type: single nucleotide variant.
Coding change: c.984G>A on transcript NM_015488.5 (MANE Select); coding-DNA position 984, G replaced by A.
Protein change: p.Thr328=; no amino-acid change (threonine 328 retained).
Molecular consequence: synonymous variant.
Genome position (GRCh38, 1-based): chr2:218,344,570, G>A. VCF-style: chr2-218344570-G-A. GRCh37 (hg19) VCF-style: chr2-219209293-G-A.
Other names: c.912G>A, p.Thr304= (NM_022572.5).
Identifiers: ClinVar variation 834117 (VCV000834117.9), dbSNP rs371356115, ClinGen allele CA2104169.